The following is an entry in ClinVar:

NM_207122.2(EXT2):c.1935+11C>G

Gene: EXT2 (exostosin glycosyltransferase 2; plus strand). Cytogenetic location: 11p11.2.
Variant type: single nucleotide variant.
Coding change: c.1935+11C>G on transcript NM_207122.2 (MANE Select); 11 bases into the intron after coding-DNA position 1935, C replaced by G.
Molecular consequence: intron variant.
Genome position (GRCh38, 1-based): chr11:44,234,254, C>G. VCF-style: chr11-44234254-C-G. GRCh37 (hg19) VCF-style: chr11-44255804-C-G.
Other names: c.1935+11C>G (NM_001389630.1, NM_001389628.1); c.1965+11C>G (NM_001178083.3); c.2034+11C>G (NM_000401.3).
Identifiers: ClinVar variation 304593 (VCV000304593.12), dbSNP rs764143899, ClinGen allele CA5955393.

ClinVar aggregate classification (germline): Likely benign. Review status: criteria provided, multiple submitters, no conflicts (2 of 4 stars). 2 submissions from 2 submitters: Likely benign (2). Last evaluated 2025-04-15.

Conditions:
Exostoses, multiple, type 2 (EXT2). Also called: Hereditary Multiple Osteochondromatosis, Type II; EXOSTOSES, MULTIPLE, TYPE II. Identifiers: Orphanet 321, MedGen C1851413, MONDO:0007586, OMIM 133701.

Allele frequency attached by ClinVar (database versions not stated): gnomAD exomes 0.00001 and 0.00003; ExAC 0.00005; TOPMed 0.00006.
gnomAD v4.1: 14 of 1,613,038 alleles (0.00087%); highest among the groups gnomAD compares: East Asian, 0.022%; no homozygotes.

Submissions (2):

Labcorp Genetics (formerly Invitae), Labcorp
Classification: Likely benign for Exostoses, multiple, type 2. Last evaluated: 2025-04-15. Review status: criteria provided, single submitter. Criteria: Invitae Variant Classification Sherloc (09022015). Collection method: clinical testing. Allele origin: germline.

Illumina Laboratory Services, Illumina
Classification: Likely benign for Exostoses, multiple, type 2. Last evaluated: 2018-01-12. Review status: criteria provided, single submitter. Criteria: ICSL Variant Classification Criteria 13 December 2019. Collection method: clinical testing. Allele origin: germline.
Comment: This variant was observed in the ICSL laboratory as part of a predisposition screen in an ostensibly healthy population. It had not been previously curated by ICSL or reported in the Human Gene Mutation Database (HGMD: prior to June 1st, 2018), and was therefore a candidate for classification through an automated scoring system. Utilizing variant allele frequency, disease prevalence and penetrance estimates, and inheritance mode, an automated score was calculated to assess if this variant is too frequent to cause the disease. Based on the score and internal cut-off values, a variant classified as likely benign is not then subjected to further curation. The score for this variant resulted in a classification of likely benign for this disease.